The following is an entry in ClinVar:

ClinVar aggregate classification (germline): Conflicting classifications of pathogenicity. Review status: criteria provided, conflicting classifications (1 of 4 stars). 23 submissions from 21 submitters: Uncertain significance (9); Benign (2); Likely benign (6). 6 of the submissions do not count toward it. Last evaluated 2026-01-26.

Conditions:
Infiltrating duct carcinoma of breast. Also called: Invasive ductal breast carcinoma; Invasive Ductal Carcinoma, Not Otherwise Specified. Identifiers: MedGen C1412014, MONDO:0004953.
Malignant tumor of pancreas. Also called: Malignant pancreatic neoplasm; Cancer of the pancreas; Pancreatic cancer. Identifiers: MedGen C0346647, MONDO:0009831.
BRCA2-related disorder. Also called: BRCA2-related condition; BRCA2-related disorders. Identifiers: MedGen CN239275.
Hereditary cancer-predisposing syndrome. Also called: Hereditary Cancer Syndrome; Neoplastic Syndromes, Hereditary; Hereditary neoplastic syndrome; Tumor predisposition. Identifiers: Orphanet 140162, MedGen C0027672, MeSH D009386, MONDO:0015356.
Breast neoplasm. Also called: Neoplasm of breast; Breast tumor; Breast Neoplasms; Neoplasm of the breast. Identifiers: MedGen C1458155, MeSH D001943, MONDO:0021100, HP:0100013. Disease mechanism: gain of function.
Ovarian cancer. Also called: OVARIAN CANCER, SOMATIC. Identifiers: Orphanet 213500, MedGen C1140680, MONDO:0008170, OMIM 167000.
Hereditary breast ovarian cancer syndrome. Also called: Hereditary breast and ovarian cancer syndrome; Breast and ovarian cancer; BRCA1- and BRCA2-Associated Hereditary Breast and Ovarian Cancer; Hereditary breast and/or ovarian cancer syndrome; Hereditary breast and ovarian cancer; Hereditary breast and ovarian cancer syndrome (HBOC). Identifiers: Orphanet 145, MedGen C0677776, MeSH D061325, MONDO:0003582. Disease mechanism: loss of function.
Breast-ovarian cancer, familial, susceptibility to, 2 (BROVCA2). Also called: BRCA2 Hereditary Breast and Ovarian Cancer. Identifiers: Orphanet 145, MedGen C2675520, MONDO:0012933, OMIM 612555. Disease mechanism: loss of function.
Familial cancer of breast. Also called: hereditary breast carcinoma; BREAST CANCER, FAMILIAL; Hereditary breast cancer. Identifiers: Orphanet 227535, MedGen C0346153, MONDO:0016419, OMIM 114480. Disease mechanism: loss of function.
Malignant tumor of breast. Also called: Malignant breast neoplasm; Cancer breast. Identifiers: MedGen C0006142, MONDO:0007254. Disease mechanism: loss of function.

Allele frequency attached by ClinVar (database versions not stated): gnomAD exomes 0.00003 and 0.00016; gnomAD 0.00004; TOPMed 0.00005; ExAC 0.00011.
gnomAD v4.1: 52 of 1,614,108 alleles (0.0032%); highest among the groups gnomAD compares: East Asian, 0.11%; no homozygotes.

Submissions 1 to 6 of 23:

Labcorp Genetics (formerly Invitae), Labcorp
Classification: Benign for Hereditary breast ovarian cancer syndrome. Last evaluated: 2026-01-26. Review status: criteria provided, single submitter. Criteria: Invitae Variant Classification Sherloc (09022015). Collection method: clinical testing. Allele origin: germline.

PreventionGenetics, part of Exact Sciences
Classification: Likely benign for BRCA2-related condition. Last evaluated: 2026-01-20. Review status: criteria provided, single submitter. Criteria: ACMG Guidelines, 2015. Collection method: clinical testing. Allele origin: germline.
Comment: This variant is classified as likely benign based on ACMG/AMP sequence variant interpretation guidelines (Richards et al. 2015 PMID: 25741868, with internal and published modifications).

Mayo Clinic Laboratories, Mayo Clinic
Classification: Likely benign. Last evaluated: 2025-07-09. Review status: criteria provided, single submitter. Criteria: ACMG Guidelines, 2015. Collection method: clinical testing. Allele origin: germline. Observed: 2 variant alleles.
Comment: BA1

Ambry Genetics
Classification: Uncertain significance for Hereditary cancer-predisposing syndrome. Last evaluated: 2024-12-20. Review status: criteria provided, single submitter. Criteria: Ambry Variant Classification Scheme 2023. Collection method: clinical testing. Allele origin: germline.
Comment: The p.G2508S variant (also known as c.7522G>A), located in coding exon 14 of the BRCA2 gene, results from a G to A substitution at nucleotide position 7522. The glycine at codon 2508 is replaced by serine, an amino acid with similar properties. This alteration has been detected in multiple individuals diagnosed with breast and/or ovarian cancer (Suter NM et al. Cancer Epidemiol. Biomarkers Prev. 2004 Feb;13:181-9; Lim MC et al. J. Cancer Res. Clin. Oncol. 2009 Nov;135:1593-9; Ng PS et al. Clin. Genet. 2016 Oct;90:315-23; Yoon KA et al. Cancer Res Treat. 2017 Jul;49:627-634; Liang Y et al. Med. Sci. Monit. 2018 Apr;24:2465-2475; Wen WX et al. J. Med. Genet. 2018 Feb;55:97-103; Li JY et al. Int. J. Cancer. 2019 Jan;144:281-289; Zhang Y et al. BMC Cancer, 2022 Aug;22:842). Multiple case-control studies and a meta-analysis of the participants from the Breast Cancer Association Consortium and the Shanghai Breast Cancer Genetic Study show a statistically increased association of this variant with breast cancer (Zhang Y et al. Cancer Epidemiol. Biomarkers Prev. 2014 Apr;23:622-8; Han MR et al. Carcinogenesis. 2017 May;38:511-518; Shimelis H et al. Cancer Res. 2017 Jun;77:2789-2799). Functional studies have collectively suggested that this variant has an intermediate impact on protein function. One study reported that this variant had Intermediate functional activity in assays of HDR activity, PARP inhibition, and protein-DNA interactions (Shimelis H et al. Cancer Res. 2017 Jun;77:2789-2799). Another study indicated that this alteration may at least partially impair protein function as assessed by rescue of lethality in Brca2-null mouse embryonic stem cells, homology directed repair, and cisplatin sensitivity (Mesman RLS. Genet Med. 2019 Feb;21(2):293-302). Another study reported this variant as "likely abnormal" based on sensitivity to PARP inhibitors, however, due to intermediate/conflicting findings between the drugs tested, the authors suggest that it could be a hypomorphic variant (Ikegami M et al. Nat Commun. 2020 May;11(1):2573). Another homology-directed repair assay has reported this variant as functional (Hu C et al. Am J Hum Genet. 2024 Mar;111(3):584-593). This alteration has been seen with two different pathogenic mutations and one likely pathogenic variant in BRCA2 (phase unknown) in individuals whose clinical histories are not suggestive of Fanconi Anemia (Ambry internal data). Based on data from gnomAD, the frequency for this variant is above the maximum credible frequency for a disease-causing variant in this gene based on internally established thresholds (Karczewski et al. Nature. 2020 May;581(7809):434-443; Whiffin et al. Genet Med. 2017 10;19:1151-1158). This amino acid position is highly conserved in available vertebrate species. In addition, this alteration is predicted to be deleterious by in silico analysis. Based on the available evidence, the clinical significance of this alteration remains unclear.

Institute for Genomic Medicine (IGM) Clinical Laboratory, Nationwide Children's Hospital
Classification: Uncertain significance for Hereditary cancer-predisposing syndrome. Last evaluated: 2023-09-11. Review status: criteria provided, single submitter. Criteria: ACMG Guidelines, 2015. Collection method: clinical testing. Allele origin: germline.
Comment: This variant has been reported at an elevated frequency in affected individuals/in multiple affected individuals in the literature (ACMG/AMP: PS4). This variant is predicted to alter protein function or structure, or disrupt splicing by multiple in silico tools (ACMG/AMP: PP3). This variant was seen in a healthy adult where full penetrance of the disorder is expected at an early age (ACMG/AMP: BS2; PMIDs:2472832, 28993434, 30287823).

Quest Diagnostics Nichols Institute San Juan Capistrano
Classification: Likely benign. Last evaluated: 2023-08-16. Review status: criteria provided, single submitter. Criteria: Quest Diagnostics criteria. Collection method: clinical testing. Allele origin: unknown.

NM_000059.4(BRCA2):c.7522G>A (p.Gly2508Ser)

Gene: BRCA2 (BRCA2 DNA repair associated; plus strand). Cytogenetic location: 13q13.1.
Variant type: single nucleotide variant.
Coding change: c.7522G>A on transcript NM_000059.4 (MANE Select); coding-DNA position 7522, G replaced by A.
Protein change: p.Gly2508Ser; replaces glycine 2508 with serine.
Molecular consequence: missense variant.
Genome position (GRCh38, 1-based): chr13:32,356,514, G>A. VCF-style: chr13-32356514-G-A. GRCh37 (hg19) VCF-style: chr13-32930651-G-A.
Other names: p.G2508S:GGC>AGC; 7750G>A; short protein forms G2508S.
Identifiers: ClinVar variation 52347 (VCV000052347.48), dbSNP rs80358978, ClinGen allele CA025130.